The following is an entry in ClinVar:

NM_024301.5(FKRP):c.632del (p.Ser211fs)

Gene: FKRP (fukutin related protein; plus strand). Cytogenetic location: 19q13.32.
Variant type: Deletion.
Coding change: c.632del on transcript NM_024301.5 (MANE Select); coding-DNA position 632, one base deleted (C; older notation c.632delC).
Protein change: p.Ser211fs; shifts the reading frame from serine 211.
Molecular consequence: frameshift variant.
Genome position (GRCh38, 1-based): chr19:46,756,082, C deleted. VCF-style (leftmost placement, unchanged base first): chr19-46756081-TC-T. GRCh37 (hg19) VCF-style: chr19-47259338-TC-T.
Other names: c.632del (NM_024301.4); c.632del, p.Ser211fs (NM_001039885.3); short protein forms S211fs.
Identifiers: ClinVar variation 2675701 (VCV002675701.2), dbSNP rs2513990210, ClinGen allele CA2695201351.
Genomic context (GRCh38, chr19:46,756,081, plus strand): 5'-TGCGACGCCCTGGACGGAGATGCTGTGGTGCTCCTGCGCGCCCGCGACCTCTTCAACCTC[TC>T]GGCGCCCCTGGCCCGGCCGGTGGGCACCAGCCTCTTTCTGCAGACCGCCCTTCGCGGCTG-3'

ClinVar aggregate classification (germline): Likely pathogenic. Review status: criteria provided, multiple submitters, no conflicts (2 of 4 stars). 2 submissions from 2 submitters: Likely pathogenic (2). Last evaluated 2024-09-24.

Conditions:
Muscular dystrophy-dystroglycanopathy (congenital with brain and eye anomalies), type A5. Also called: MUSCULAR DYSTROPHY-DYSTROGLYCANOPATHY (CONGENITAL WITH BRAIN AND EYE ANOMALIES), TYPE A, 5; WALKER-WARBURG SYNDROME OR MUSCLE-EYE-BRAIN DISEASE, FKRP-RELATED. Identifiers: Orphanet 588, Orphanet 899, MedGen C3150413, MONDO:0013157, OMIM 613153.
Autosomal recessive limb-girdle muscular dystrophy type 2I. Also called: MUSCULAR DYSTROPHY-DYSTROGLYCANOPATHY (LIMB-GIRDLE), TYPE C, 5; MUSCULAR DYSTROPHY-DYSTROGLYCANOPATHY, LIMB-GIRDLE, FRKP-RELATED; MUSCULAR DYSTROPHY, LIMB-GIRDLE, TYPE 2I. Identifiers: Orphanet 34515, MedGen C1846672, MONDO:0011787, OMIM 607155.

Submissions (2):

Natera, Inc.
Classification: Likely pathogenic for Limb-girdle muscular dystrophy type 2I. Last evaluated: 2024-09-24. Review status: criteria provided, single submitter. Criteria: Natera Variant Classification Schema (03/2026). Collection method: clinical testing. Allele origin: germline.
Comment: The c.632del variant in FKRP is a frameshift variant predicted to shift the reading frame beginning at codon 211 and leads to a stop codon 28 codons downstream. This variant is expected to result in nonsense mediated decay, truncation, or a dysfunctional protein product. This variant is rare in the general population with a frequency below the threshold expected for the associated phenotype(s). Given the available evidence, this variant is classified as Likely Pathogenic.

Baylor Genetics
Classification: Likely pathogenic for Muscular dystrophy-dystroglycanopathy (congenital with brain and eye anomalies), type A5. Last evaluated: 2023-05-19. Review status: criteria provided, single submitter. Criteria: ACMG Guidelines, 2015. Collection method: clinical testing. Allele origin: unknown.